The following is an entry in ClinVar:

NM_020987.5(ANK3):c.6597T>G (p.Thr2199=)

Gene: ANK3 (ankyrin 3; minus strand). Cytogenetic location: 10q21.2.
Variant type: single nucleotide variant.
Coding change: c.6597T>G on transcript NM_020987.5 (MANE Select); coding-DNA position 6597, T replaced by G.
Protein change: p.Thr2199=; no amino-acid change (threonine 2199 retained).
Molecular consequence: synonymous variant. On other transcripts: intron variant (4).
Genome position (GRCh38, 1-based): chr10:60,074,284, A>C on the plus strand (T>G on the coding strand, the complement: ANK3 is on the minus strand). VCF-style: chr10-60074284-A-C. GRCh37 (hg19) VCF-style: chr10-61834042-A-C.
Other names: c.4387+6253T>G (NM_001204403.2); c.4408+6253T>G (NM_001204404.2); c.4405+6253T>G (NM_001320874.2); c.1807+6253T>G (NM_001149.4).
Identifiers: ClinVar variation 749229 (VCV000749229.32), dbSNP rs146801915, ClinGen allele CA5511851.

ClinVar aggregate classification (germline): Likely benign. Review status: criteria provided, multiple submitters, no conflicts (2 of 4 stars). 3 submissions from 3 submitters: Likely benign (2). 1 of the submissions does not count toward it. Last evaluated 2026-01-01.

Conditions:
ANK3-related disorder. Also called: ANK3-related condition.

Allele frequency attached by ClinVar (database versions not stated): gnomAD exomes 0.00012; ExAC 0.00013; gnomAD 0.00049 and 0.00056; 1000 Genomes Project 0.00060; 1000 Genomes Project 30x 0.00062; TOPMed 0.00065; ESP Exome Variant Server 0.00069.
gnomAD v4.1: 172 of 1,614,076 alleles (0.011%); highest among the groups gnomAD compares: African/African-American, 0.18%; no homozygotes.

Submissions (3):

CeGaT Center for Human Genetics Tuebingen
Classification: Likely benign. Last evaluated: 2026-01-01. Review status: criteria provided, single submitter. Criteria: CeGaT Center For Human Genetics Tuebingen Variant Classification Criteria Version 2. Collection method: clinical testing. Allele origin: germline. Affected: yes. Observed: 2 variant alleles.
Comment: ANK3: BP4, BP7

Labcorp Genetics (formerly Invitae), Labcorp
Classification: Likely benign. Last evaluated: 2025-10-02. Review status: criteria provided, single submitter. Criteria: Invitae Variant Classification Sherloc (09022015). Collection method: clinical testing. Allele origin: germline.

PreventionGenetics, part of Exact Sciences
Classification: Likely benign for ANK3-related condition. Last evaluated: 2019-05-21. Review status: no assertion criteria provided. Collection method: clinical testing. Allele origin: germline. Not counted in ClinVar's aggregate classification.
Comment: This variant is classified as likely benign based on ACMG/AMP sequence variant interpretation guidelines (Richards et al. 2015 PMID: 25741868, with internal and published modifications).